The following is an entry in ClinVar:

ClinVar aggregate classification (germline): Likely benign. Review status: criteria provided, multiple submitters, no conflicts (2 of 4 stars). 2 submissions from 2 submitters: Likely benign (2). Last evaluated 2026-05-12.

Conditions:
Neurofibromatosis, type 1 (NF1). Also called: VON RECKLINGHAUSEN DISEASE; NEUROFIBROMATOSIS, TYPE I, SOMATIC; Neurofibromatosis, type I; Peripheral type neurofibromatosis. Identifiers: Orphanet 636, MedGen C0027831, MONDO:0018975, OMIM 162200. Disease mechanism: loss of function.

Allele frequency attached by ClinVar (database versions not stated): gnomAD exomes 0.00001; gnomAD 0.00001; TOPMed 0.00001; ExAC 0.00002.
gnomAD v4.1: 10 of 1,566,700 alleles (0.00064%); highest among the groups gnomAD compares: Non-Finnish European, 0.00088%; no homozygotes.

Submissions (2):

Myriad Genetics, Inc.
Classification: Likely benign for Neurofibromatosis, type 1. Last evaluated: 2026-05-12. Review status: criteria provided, single submitter. Criteria: Myriad Autosomal Dominant, Autosomal Recessive and X-Linked Classification Criteria (2023). Collection method: clinical testing. Allele origin: unknown.
Comment: This variant is considered likely benign. This variant is intronic and is not expected to impact mRNA splicing.

Labcorp Genetics (formerly Invitae), Labcorp
Classification: Likely benign for Neurofibromatosis, type 1. Last evaluated: 2025-10-13. Review status: criteria provided, single submitter. Criteria: Invitae Variant Classification Sherloc (09022015). Collection method: clinical testing. Allele origin: germline.

NM_001042492.3(NF1):c.3114-15T>C

Gene: NF1 (neurofibromin 1; plus strand). Cytogenetic location: 17q11.2.
Variant type: single nucleotide variant.
Coding change: c.3114-15T>C on transcript NM_001042492.3 (MANE Select); 15 bases into the intron before coding-DNA position 3114, T replaced by C.
Molecular consequence: intron variant.
Genome position (GRCh38, 1-based): chr17:31,230,827, T>C. VCF-style: chr17-31230827-T-C. GRCh37 (hg19) VCF-style: chr17-29557845-T-C.
Other names: c.3114-15T>C (NM_000267.4).
Identifiers: ClinVar variation 1630665 (VCV001630665.9), dbSNP rs748777693, ClinGen allele CA8486093.
Genomic context (GRCh38, chr17:31,230,827, plus strand): 5'-TCTTACGTGACTAAAGGTGTGTGTGTGGCTTCAAAAACATTGTTTGCTGTTTCTCTTTTC[T>C]CCACCATTCTATAGGAATAAGATGGTAGAATACCTGACAGACTGGGTTATGGGAACATCA-3'